The following is an entry in ClinVar:

ClinVar aggregate classification (germline): Uncertain significance (1 of 4 stars; one submission).

Submission:

ISCA Site 6
Classification: Uncertain significance. Last evaluated: 2011-08-12. Review status: criteria provided, single submitter. Criteria: Kaminsky et al. (Genet Med. 2011). Collection method: clinical testing. Allele origin: paternal. Affected: yes. Observed: 1 variant allele.
Comment: Copy number variation identified through the course of routine clinical cytogenomic testing in postnatal populations. Clinical assertions have been curated as described in Kaminsky et al. 2011.

GRCh38/hg38 16q24.3(chr16:89791645-90000807)x1

Genes: CENPBD1 (CENPB DNA-binding domain containing 1; minus strand), DEF8 (differentially expressed in FDCP 8 homolog; plus strand), FANCA (FA complementation group A; minus strand), MC1R (melanocortin 1 receptor; plus strand), SNORA119 (small nucleolar RNA, H/ACA box 119; plus strand) and 27 more. Cytogenetic location: 16q24.3.
Variant type: copy number loss.
Change: copy number 1 (one copy instead of two) of chr16:89,791,645-90,000,807 (209.2 kb, GRCh38 coordinates, 1-based), cytogenetic band 16q24.3.
Identifiers: ClinVar variation 58272 (VCV000058272.2).